The following is an entry in ClinVar:

NM_018012.4(KIF26B):c.4671C>T (p.Cys1557=)

Gene: KIF26B (kinesin family member 26B; plus strand). Cytogenetic location: 1q44.
Variant type: single nucleotide variant.
Coding change: c.4671C>T on transcript NM_018012.4 (MANE Select); coding-DNA position 4671, C replaced by T.
Protein change: p.Cys1557=; no amino-acid change (cysteine 1557 retained).
Molecular consequence: synonymous variant.
Genome position (GRCh38, 1-based): chr1:245,687,654, C>T. VCF-style: chr1-245687654-C-T. GRCh37 (hg19) VCF-style: chr1-245850956-C-T.
Identifiers: ClinVar variation 716680 (VCV000716680.5), dbSNP rs139164445, ClinGen allele CA1488505.

ClinVar aggregate classification (germline): Benign. Review status: criteria provided, single submitter (1 of 4 stars). 2 submissions from 2 submitters: Benign (1). 1 of the submissions does not count toward it. Last evaluated 2018-09-19.

Conditions:
KIF26B-related disorder. Also called: KIF26B-related condition.

Allele frequency attached by ClinVar (database versions not stated): gnomAD exomes 0.00069 and 0.00167; ExAC 0.00434; 1000 Genomes Project 30x 0.00625; 1000 Genomes Project 0.00719; ESP Exome Variant Server 0.00850; gnomAD 0.00872 and 0.00945; TOPMed 0.00966.
gnomAD v4.1: 2,383 of 1,573,640 alleles (0.15%); highest among the groups gnomAD compares: African/African-American, 2.8%; 37 homozygotes.

Submissions (2):

Labcorp Genetics (formerly Invitae), Labcorp
Classification: Benign. Last evaluated: 2018-09-19. Review status: criteria provided, single submitter. Criteria: Invitae Variant Classification Sherloc (09022015). Collection method: clinical testing. Allele origin: germline.

PreventionGenetics, part of Exact Sciences
Classification: Benign for KIF26B-related condition. Last evaluated: 2019-06-05. Review status: no assertion criteria provided. Collection method: clinical testing. Allele origin: germline. Not counted in ClinVar's aggregate classification.
Comment: This variant is classified as benign based on ACMG/AMP sequence variant interpretation guidelines (Richards et al. 2015 PMID: 25741868, with internal and published modifications).